The following is an entry in ClinVar:

ClinVar aggregate classification (germline): Uncertain significance. Review status: criteria provided, multiple submitters, no conflicts (2 of 4 stars). 2 submissions from 2 submitters: Uncertain significance (2). Last evaluated 2024-10-25.

Allele frequency attached by ClinVar (database versions not stated): gnomAD exomes below 0.00001.
gnomAD v4.1: 2 of 1,591,260 alleles (0.00013%); highest among the groups gnomAD compares: Admixed American, 0.0019%; no homozygotes.

Submissions (2):

Labcorp Genetics (formerly Invitae), Labcorp
Classification: Uncertain significance. Last evaluated: 2024-10-25. Review status: criteria provided, single submitter. Criteria: Invitae Variant Classification Sherloc (09022015). Collection method: clinical testing. Allele origin: germline.
Comment: This sequence change replaces alanine, which is neutral and non-polar, with glycine, which is neutral and non-polar, at codon 188 of the CLUAP1 protein (p.Ala188Gly). The frequency data for this variant in the population databases is considered unreliable, as metrics indicate poor data quality at this position in the gnomAD database. This variant has not been reported in the literature in individuals affected with CLUAP1-related conditions. ClinVar contains an entry for this variant (Variation ID: 2095386). Invitae Evidence Modeling of protein sequence and biophysical properties (such as structural, functional, and spatial information, amino acid conservation, physicochemical variation, residue mobility, and thermodynamic stability) indicates that this missense variant is not expected to disrupt CLUAP1 protein function with a negative predictive value of 80%. In summary, the available evidence is currently insufficient to determine the role of this variant in disease. Therefore, it has been classified as a Variant of Uncertain Significance.

Ambry Genetics
Classification: Uncertain significance. Last evaluated: 2023-03-07. Review status: criteria provided, single submitter. Criteria: Ambry Variant Classification Scheme 2023. Collection method: clinical testing. Allele origin: germline.

NM_015041.3(CLUAP1):c.563C>G (p.Ala188Gly)

Gene: CLUAP1 (clusterin associated protein 1; plus strand). Cytogenetic location: 16p13.3.
Variant type: single nucleotide variant.
Coding change: c.563C>G on transcript NM_015041.3 (MANE Select); coding-DNA position 563, C replaced by G.
Protein change: p.Ala188Gly; replaces alanine 188 with glycine.
Molecular consequence: missense variant.
Genome position (GRCh38, 1-based): chr16:3,515,575, C>G. VCF-style: chr16-3515575-C-G. GRCh37 (hg19) VCF-style: chr16-3565575-C-G.
Other names: c.563C>G (NM_015041.1); c.563C>G, p.Ala188Gly (NM_001330454.2); c.65C>G, p.Ala22Gly (NM_024793.3); short protein forms A22G, A188G.
Identifiers: ClinVar variation 2095386 (VCV002095386.6), dbSNP rs1486212605, ClinGen allele CA394513035.